The following is an entry in ClinVar:

ClinVar aggregate classification (germline): Conflicting classifications of pathogenicity. Review status: criteria provided, conflicting classifications (1 of 4 stars). 2 submissions from 2 submitters: Pathogenic (1); Uncertain significance (1). Last evaluated 2025-10-21.

Submissions (2):

Labcorp Genetics (formerly Invitae), Labcorp
Classification: Pathogenic. Last evaluated: 2025-10-21. Review status: criteria provided, single submitter. Criteria: Invitae Variant Classification Sherloc (09022015). Collection method: clinical testing. Allele origin: germline.
Comment: This sequence change creates a premature translational stop signal (p.Ser738Glufs*3) in the SBF1 gene. It is expected to result in an absent or disrupted protein product. Loss-of-function variants in SBF1 are known to be pathogenic (PMID: 28005197, 28902413). This variant is not present in population databases (gnomAD no frequency). This variant has not been reported in the literature in individuals affected with SBF1-related conditions. ClinVar contains an entry for this variant (Variation ID: 1314856). Algorithms developed to predict the effect of sequence changes on RNA splicing suggest that this variant may disrupt the consensus splice site. For these reasons, this variant has been classified as Pathogenic.

GeneDx
Classification: Uncertain significance. Last evaluated: 2021-04-15. Review status: criteria provided, single submitter. Criteria: GeneDx Variant Classification Process June 2021. Collection method: clinical testing. Allele origin: germline. Affected: yes.
Comment: Not observed in large population cohorts (Lek et al., 2016); Frameshift variant predicted to result in protein truncation or nonsense mediated decay in a gene for which loss-of-function is not a known mechanism of disease; Has not been previously published as pathogenic or benign to our knowledge

Literature cited by the submitters: PubMed 28005197 (cited by Labcorp Genetics (formerly Invitae), Labcorp); PubMed 28902413 (cited by Labcorp Genetics (formerly Invitae), Labcorp).

NM_002972.4(SBF1):c.2210dup (p.Ser738fs)

Gene: SBF1 (SET binding factor 1; minus strand). Cytogenetic location: 22q13.33.
Variant type: Duplication.
Coding change: c.2210dup on transcript NM_002972.4 (MANE Select); coding-DNA position 2210, one base duplicated (T; older notation c.2210dupT).
Protein change: p.Ser738fs; shifts the reading frame from serine 738.
Molecular consequence: frameshift variant.
Genome position (GRCh38, 1-based): chr22:50,462,391, A duplicated on the plus strand (T on the coding strand, the reverse complement: SBF1 is on the minus strand). VCF-style (leftmost placement, unchanged base first): chr22-50462390-C-CA. GRCh37 (hg19) VCF-style: chr22-50900819-C-CA.
Other names: c.2213dup, p.Ser739fs (NM_001365819.1); short protein forms S738fs, S739fs.
Identifiers: ClinVar variation 1314856 (VCV001314856.4), dbSNP rs2148590809, ClinGen allele CA2573055031.
Genomic context (GRCh38, chr22:50,462,390, plus strand): 5'-GGCCTGGCTGAACACCGTGCTCTCCTCCTTCTGCACCAGCTCCTGCTGCTTCTCACGACT[C>CA]AGAGTTGGCCACAAGCGCCGCTGCTCAGAAGCCACGTCTAGGGCAGAGCGCTCGTCCTCC-3'